The following is an entry in ClinVar:

ClinVar aggregate classification (germline): Benign. Review status: criteria provided, single submitter (1 of 4 stars). 2 submissions from 2 submitters: Benign (1). 1 of the submissions does not count toward it. Last evaluated 2025-03-11.

Conditions:
SATB2-related disorder. Also called: SATB2-related condition.
Chromosome 2q32-q33 deletion syndrome (GLASS). Also called: Glass syndrome; 2q33.1 deletion syndrome. Identifiers: Orphanet 251019, MedGen C2676739, MONDO:0012864, OMIM 612313.

Allele frequency attached by ClinVar (database versions not stated): ExAC 0.00004; gnomAD 0.00003 and 0.00004; gnomAD exomes 0.00004; TOPMed 0.00002.
gnomAD v4.1: 58 of 1,582,038 alleles (0.0037%); highest among the groups gnomAD compares: Non-Finnish European, 0.0048%; no homozygotes.

Submissions (2):

Labcorp Genetics (formerly Invitae), Labcorp
Classification: Benign for Chromosome 2q32-q33 deletion syndrome. Last evaluated: 2025-03-11. Review status: criteria provided, single submitter. Criteria: Invitae Variant Classification Sherloc (09022015). Collection method: clinical testing. Allele origin: germline.

PreventionGenetics, part of Exact Sciences
Classification: Likely benign for SATB2-related condition. Last evaluated: 2019-03-05. Review status: no assertion criteria provided. Collection method: clinical testing. Allele origin: germline. Not counted in ClinVar's aggregate classification.
Comment: This variant is classified as likely benign based on ACMG/AMP sequence variant interpretation guidelines (Richards et al. 2015 PMID: 25741868, with internal and published modifications).

NM_001172509.2(SATB2):c.1140T>A (p.Ala380=)

Gene: SATB2 (SATB homeobox 2; minus strand). Cytogenetic location: 2q33.1.
Variant type: single nucleotide variant.
Coding change: c.1140T>A on transcript NM_001172509.2 (MANE Select); coding-DNA position 1140, T replaced by A.
Protein change: p.Ala380=; no amino-acid change (alanine 380 retained).
Molecular consequence: synonymous variant.
Genome position (GRCh38, 1-based): chr2:199,348,734, A>T on the plus strand (T>A on the coding strand, the complement: SATB2 is on the minus strand). VCF-style: chr2-199348734-A-T. GRCh37 (hg19) VCF-style: chr2-200213457-A-T.
Other names: c.1140T>A, p.Ala380= (NM_001172517.1, NM_015265.4).
Identifiers: ClinVar variation 537280 (VCV000537280.14), dbSNP rs771044415, ClinGen allele CA2045969.